The following is an entry in ClinVar:

ClinVar aggregate classification (germline): Benign/Likely benign. Review status: criteria provided, multiple submitters, no conflicts (2 of 4 stars). 4 submissions from 4 submitters: Benign (1); Likely benign (3). Last evaluated 2024-04-19.

Conditions:
Hereditary cancer-predisposing syndrome. Also called: Tumor predisposition; Hereditary Cancer Syndrome; Neoplastic Syndromes, Hereditary; Hereditary neoplastic syndrome. Identifiers: Orphanet 140162, MedGen C0027672, MeSH D009386, MONDO:0015356.
Familial cancer of breast. Also called: Hereditary breast cancer; hereditary breast carcinoma; BREAST CANCER, FAMILIAL. Identifiers: Orphanet 227535, MedGen C0346153, MONDO:0016419, OMIM 114480. Disease mechanism: loss of function.
Ataxia-telangiectasia syndrome (AT). Also called: Cerebello-oculocutaneous telangiectasia; Immunodeficiency with ataxia telangiectasia; Ataxia-telangiectasia, complementation group D; AT, COMPLEMENTATION GROUP C; Ataxia-telangiectasia, complementation group E; LOUIS-BAR SYNDROME. Identifiers: Orphanet 100, MedGen C0004135, MONDO:0008840, OMIM 208900.

Submissions (4):

Myriad Genetics, Inc.
Classification: Benign for Familial cancer of breast. Last evaluated: 2024-04-19. Review status: criteria provided, single submitter. Criteria: Myriad Autosomal Dominant, Autosomal Recessive and X-Linked Classification Criteria (2023). Collection method: clinical testing. Allele origin: unknown.
Comment: This variant is considered benign. This variant is a silent/synonymous amino acid change and it is not expected to impact splicing.

Labcorp Genetics (formerly Invitae), Labcorp
Classification: Likely benign for Ataxia-telangiectasia syndrome. Last evaluated: 2024-04-08. Review status: criteria provided, single submitter. Criteria: Invitae Variant Classification Sherloc (09022015). Collection method: clinical testing. Allele origin: germline.

Color Diagnostics, LLC DBA Color Health
Classification: Likely benign for Hereditary cancer-predisposing syndrome. Last evaluated: 2019-07-02. Review status: criteria provided, single submitter. Criteria: ACMG Guidelines, 2015. Collection method: clinical testing. Allele origin: germline.

Ambry Genetics
Classification: Likely benign for Hereditary cancer-predisposing syndrome. Last evaluated: 2015-12-04. Review status: criteria provided, single submitter. Criteria: Ambry Variant Classification Scheme 2023. Collection method: clinical testing. Allele origin: germline.

NM_000051.4(ATM):c.372C>T (p.Ile124=)

Gene: ATM (ATM serine/threonine kinase; plus strand). Cytogenetic location: 11q22.3.
Variant type: single nucleotide variant.
Coding change: c.372C>T on transcript NM_000051.4 (MANE Select); coding-DNA position 372, C replaced by T.
Protein change: p.Ile124=; no amino-acid change (isoleucine 124 retained).
Molecular consequence: synonymous variant.
Genome position (GRCh38, 1-based): chr11:108,235,710, C>T. VCF-style: chr11-108235710-C-T. GRCh37 (hg19) VCF-style: chr11-108106437-C-T.
Other names: c.372C>T, p.Ile124= (NM_001351834.2).
Identifiers: ClinVar variation 453487 (VCV000453487.13), dbSNP rs773495195, ClinGen allele CA476670359.